The following is an entry in ClinVar:

ClinVar aggregate classification (germline): Likely benign. Review status: criteria provided, single submitter (1 of 4 stars). 2 submissions from 2 submitters: Likely benign (1). 1 of the submissions does not count toward it. Last evaluated 2026-01-26.

Conditions:
FAT1-related disorder. Also called: FAT1-related condition.

Allele frequency attached by ClinVar (database versions not stated): gnomAD exomes below 0.00001; 1000 Genomes Project 30x 0.00016; TOPMed 0.00001; gnomAD 0.00001; ExAC 0.00002; ESP Exome Variant Server 0.00008.
gnomAD v4.1: 9 of 1,613,968 alleles (0.00056%); highest among the groups gnomAD compares: East Asian, 0.0045%; no homozygotes.

Submissions (2):

Labcorp Genetics (formerly Invitae), Labcorp
Classification: Likely benign. Last evaluated: 2026-01-26. Review status: criteria provided, single submitter. Criteria: Invitae Variant Classification Sherloc (09022015). Collection method: clinical testing. Allele origin: germline.

PreventionGenetics, part of Exact Sciences
Classification: Likely benign for FAT1-related condition. Last evaluated: 2022-07-26. Review status: no assertion criteria provided. Collection method: clinical testing. Allele origin: germline. Not counted in ClinVar's aggregate classification.
Comment: This variant is classified as likely benign based on ACMG/AMP sequence variant interpretation guidelines (Richards et al. 2015 PMID: 25741868, with internal and published modifications).

NM_005245.4(FAT1):c.11196T>C (p.Asn3732=)

Genes: FAT1 (FAT atypical cadherin 1; minus strand), LOC126807254 (BRD4-independent group 4 enhancer GRCh37_chr4:187524269-187525468; plus strand). Cytogenetic location: 4q35.2.
Variant type: single nucleotide variant.
Coding change: c.11196T>C on transcript NM_005245.4 (MANE Select); coding-DNA position 11196, T replaced by C.
Protein change: p.Asn3732=; no amino-acid change (asparagine 3732 retained).
Molecular consequence: synonymous variant.
Genome position (GRCh38, 1-based): chr4:186,603,330, A>G on the plus strand (T>C on the coding strand, the complement: FAT1 is on the minus strand). VCF-style: chr4-186603330-A-G. GRCh37 (hg19) VCF-style: chr4-187524484-A-G.
Other names: c.11196T>C (NM_005245.3).
Identifiers: ClinVar variation 2959411 (VCV002959411.5), dbSNP rs370248212, ClinGen allele CA3165169.